The following is an entry in ClinVar:

ClinVar aggregate classification (germline): Conflicting classifications of pathogenicity. Review status: criteria provided, conflicting classifications (1 of 4 stars). 5 submissions from 5 submitters: Uncertain significance (4); Likely benign (1). Last evaluated 2025-11-08.

Conditions:
Inborn genetic diseases. Identifiers: MedGen C0950123, MeSH D030342.

Allele frequency attached by ClinVar (database versions not stated): gnomAD 0.00005; gnomAD exomes 0.00007 and 0.00009; TOPMed 0.00008; ExAC 0.00017.
gnomAD v4.1: 133 of 1,605,306 alleles (0.0083%); highest among the groups gnomAD compares: Non-Finnish European, 0.011%; no homozygotes.

Submissions (5):

Labcorp Genetics (formerly Invitae), Labcorp
Classification: Likely benign. Last evaluated: 2025-11-08. Review status: criteria provided, single submitter. Criteria: Invitae Variant Classification Sherloc (09022015). Collection method: clinical testing. Allele origin: germline.

ARUP Laboratories, Molecular Genetics and Genomics, ARUP Laboratories
Classification: Uncertain significance. Last evaluated: 2024-11-06. Review status: criteria provided, single submitter. Criteria: ARUP Molecular Germline Variant Investigation Process 2024. Collection method: clinical testing. Allele origin: germline.

GeneDx
Classification: Uncertain significance. Last evaluated: 2024-07-14. Review status: criteria provided, single submitter. Criteria: GeneDx Variant Classification Process June 2021. Collection method: clinical testing. Allele origin: germline. Affected: yes.
Comment: Has not been previously published as pathogenic or benign to our knowledge; Occurs in the triple helical domain at the Y position in the canonical Gly-X-Y repeat; although this variant may have an effect on normal protein folding and function, missense substitution at the Y position is not a common mechanism of disease; In silico analysis supports that this missense variant has a deleterious effect on protein structure/function

Ambry Genetics
Classification: Uncertain significance for Inborn genetic diseases. Last evaluated: 2022-03-11. Review status: criteria provided, single submitter. Criteria: Ambry Variant Classification Scheme 2023. Collection method: clinical testing. Allele origin: germline.

CeGaT Center for Human Genetics Tuebingen
Classification: Uncertain significance. Last evaluated: 2019-10-01. Review status: criteria provided, single submitter. Criteria: CeGaT Center For Human Genetics Tuebingen Variant Classification Criteria Version 2. Collection method: clinical testing. Allele origin: germline. Affected: yes. Observed: 1 variant allele.

NM_001845.6(COL4A1):c.4045C>T (p.Pro1349Ser)

Gene: COL4A1 (collagen type IV alpha 1 chain; minus strand). Cytogenetic location: 13q34.
Variant type: single nucleotide variant.
Coding change: c.4045C>T on transcript NM_001845.6 (MANE Select); coding-DNA position 4045, C replaced by T.
Protein change: p.Pro1349Ser; replaces proline 1349 with serine.
Molecular consequence: missense variant.
Genome position (GRCh38, 1-based): chr13:110,164,967, G>A on the plus strand (C>T on the coding strand, the complement: COL4A1 is on the minus strand). VCF-style: chr13-110164967-G-A. GRCh37 (hg19) VCF-style: chr13-110817314-G-A.
Other names: c.4045C>T (NM_001845.4); short protein forms P1349S.
Identifiers: ClinVar variation 872457 (VCV000872457.49), dbSNP rs761077330, ClinGen allele CA7047032.